The following is an entry in ClinVar:

NM_001017974.2(P4HA2):c.459G>T (p.Gly153=)

Gene: P4HA2 (prolyl 4-hydroxylase subunit alpha 2; minus strand). Cytogenetic location: 5q31.1.
Variant type: single nucleotide variant.
Coding change: c.459G>T on transcript NM_001017974.2 (MANE Select); coding-DNA position 459, G replaced by T.
Protein change: p.Gly153=; no amino-acid change (glycine 153 retained).
Molecular consequence: synonymous variant.
Genome position (GRCh38, 1-based): chr5:132,213,926, C>A on the plus strand (G>T on the coding strand, the complement: P4HA2 is on the minus strand). VCF-style: chr5-132213926-C-A. GRCh37 (hg19) VCF-style: chr5-131549619-C-A.
Other names: NC_000005.9:g.131549619C>A; c.459G>T, p.Gly153= (NM_001017973.1, NM_001142598.2, NM_001142599.2 and 6 more transcripts).
Identifiers: ClinVar variation 3234231 (VCV003234231.21), dbSNP rs200399940, ClinGen allele CA3402719.
Genomic context (GRCh38, chr5:132,213,926, plus strand): 5'-CCACTAAAGAGACACATGCGGGACAGGCAACGCCTGGAGTGGTGAGTTACCTGGAAGTTC[C>A]CCTCTGGAAATTGTGCCTGGGTCCAGCCTGTATGTGTCCTGAAGTCTCATCAGGGCTTTG-3'
Protein context (NP_001017974.1, residues 143-163): YRLDPGTISR[Gly153=]ELPGTKYQAM

ClinVar aggregate classification (germline): Likely benign (1 of 4 stars; one submission).

Submissions (3):

CeGaT Center for Human Genetics Tuebingen
Classification: Likely benign. Last evaluated: 2024-04-01. Review status: criteria provided, single submitter. Criteria: CeGaT Center For Human Genetics Tuebingen Variant Classification Criteria Version 2. Collection method: clinical testing. Allele origin: germline. Affected: yes. Observed: 1 variant allele.
Comment: P4HA2: BP7

Dr. Peter K. Rogan Lab, Western University
No classification provided (evidence only). Condition: Clear cell carcinoma of kidney. Review status: no classification provided. Collection method: in vitro. Allele origin: not applicable. Functional consequence: retained intron. Not counted in ClinVar's aggregate classification.

Dr. Peter K. Rogan Lab, Western University
No classification provided (evidence only). Condition: Thyroid cancer, nonmedullary, 1. Review status: no classification provided. Collection method: in vitro. Allele origin: not applicable. Functional consequence: retained intron. Not counted in ClinVar's aggregate classification.